The following is an entry in ClinVar:

ClinVar aggregate classification (germline): Uncertain significance. Review status: criteria provided, multiple submitters, no conflicts (2 of 4 stars). 2 submissions from 2 submitters: Uncertain significance (2). Last evaluated 2021-07-07.

Conditions:
Primary ciliary dyskinesia. Also called: Ciliary dyskinesia. Identifiers: Orphanet 244, MedGen C0008780, MONDO:0016575, HP:0012265.

Allele frequency attached by ClinVar (database versions not stated): TOPMed 0.00001.

Submissions (2):

Labcorp Genetics (formerly Invitae), Labcorp
Classification: Uncertain significance for Primary ciliary dyskinesia. Last evaluated: 2021-07-07. Review status: criteria provided, single submitter. Criteria: Invitae Variant Classification Sherloc (09022015). Collection method: clinical testing. Allele origin: germline.
Comment: This sequence change replaces leucine with serine at codon 346 of the CCDC114 protein (p.Leu346Ser). The leucine residue is moderately conserved and there is a large physicochemical difference between leucine and serine. This variant is not present in population databases (ExAC no frequency). This variant has not been reported in the literature in individuals affected with CCDC114-related conditions. Algorithms developed to predict the effect of missense changes on protein structure and function are either unavailable or do not agree on the potential impact of this missense change (SIFT: "Deleterious"; PolyPhen-2: "Possibly Damaging"; Align-GVGD: "Class C0"). In summary, the available evidence is currently insufficient to determine the role of this variant in disease. Therefore, it has been classified as a Variant of Uncertain Significance.

Ambry Genetics
Classification: Uncertain significance for Primary ciliary dyskinesia. Last evaluated: 2018-04-13. Review status: criteria provided, single submitter. Criteria: Ambry Variant Classification Scheme 2023. Collection method: clinical testing. Allele origin: germline.
Comment: The p.L346S variant (also known as c.1037T>C), located in coding exon 9 of the CCDC114 gene, results from a T to C substitution at nucleotide position 1037. The leucine at codon 346 is replaced by serine, an amino acid with dissimilar properties. This amino acid position is highly conserved in available vertebrate species. In addition, this alteration is predicted to be tolerated by in silico analysis. Since supporting evidence is limited at this time, the clinical significance of this alteration remains unclear.

NM_001364171.2(ODAD1):c.1148T>C (p.Leu383Ser)

Gene: ODAD1 (outer dynein arm docking complex subunit 1; minus strand). Cytogenetic location: 19q13.33.
Variant type: single nucleotide variant.
Coding change: c.1148T>C on transcript NM_001364171.2 (MANE Select); coding-DNA position 1148, T replaced by C.
Protein change: p.Leu383Ser; replaces leucine 383 with serine.
Molecular consequence: missense variant.
Genome position (GRCh38, 1-based): chr19:48,302,786, A>G on the plus strand (T>C on the coding strand, the complement: ODAD1 is on the minus strand). VCF-style: chr19-48302786-A-G. GRCh37 (hg19) VCF-style: chr19-48806043-A-G.
Other names: c.1037T>C, p.Leu346Ser (NM_144577.4); short protein forms L346S, L383S.
Identifiers: ClinVar variation 1682874 (VCV001682874.10), dbSNP rs1968503578, ClinGen allele CA406659366.